The following is an entry in ClinVar:

ClinVar aggregate classification (germline): Likely benign. Review status: criteria provided, multiple submitters, no conflicts (2 of 4 stars). 9 submissions from 9 submitters: Likely benign (9). Last evaluated 2026-07-01.

Conditions:
Cardiovascular phenotype. Identifiers: MedGen CN230736.
Long QT syndrome (LQTS). Identifiers: MedGen C0023976, MeSH D008133, MONDO:0002442. Disease mechanism: loss of function. Inheritance: Various modes of inheritance.
Cardiac arrhythmia. Also called: Arrhythmia; Cardiac rhythm disease. Identifiers: MedGen C0003811, MONDO:0007263, HP:0011675.

Allele frequency attached by ClinVar (database versions not stated): gnomAD below 0.00001 and 0.00001; TOPMed below 0.00001; gnomAD exomes 0.00003 and 0.00006; ExAC 0.00008.
gnomAD v4.1: 44 of 1,612,068 alleles (0.0027%); highest among the groups gnomAD compares: South Asian, 0.02%; no homozygotes.

Submissions (9):

CeGaT Center for Human Genetics Tuebingen
Classification: Likely benign. Last evaluated: 2026-07-01. Review status: criteria provided, single submitter. Criteria: CeGaT Center For Human Genetics Tuebingen Variant Classification Criteria Version 2. Collection method: clinical testing. Allele origin: germline. Affected: yes. Observed: 4 variant alleles.
Comment: KCNQ1: BP4, BP7

Labcorp Genetics (formerly Invitae), Labcorp
Classification: Likely benign for Long QT syndrome. Last evaluated: 2025-09-10. Review status: criteria provided, single submitter. Criteria: Invitae Variant Classification Sherloc (09022015). Collection method: clinical testing. Allele origin: germline.

Ambry Genetics
Classification: Likely benign for Cardiovascular phenotype. Last evaluated: 2024-12-13. Review status: criteria provided, single submitter. Criteria: Ambry Variant Classification Scheme 2023. Collection method: clinical testing. Allele origin: germline.

Blueprint Genetics
Classification: Likely benign. Last evaluated: 2024-03-11. Review status: criteria provided, single submitter. Criteria: ACMG Guidelines, 2015. Collection method: clinical testing. Allele origin: germline.

All of Us Research Program, National Institutes of Health
Classification: Likely benign for Long QT syndrome. Last evaluated: 2023-11-30. Review status: criteria provided, single submitter. Criteria: ACMG Guidelines, 2015. Collection method: clinical testing. Allele origin: germline. Inheritance: Autosomal dominant inheritance. Observed: 6 variant alleles, 6 heterozygotes.
Comment: This study involves interpretation of variants in research participants for the purpose of population health screening. Participant phenotype was not available at the time of variant classification. Additional details can be found in publication PMID: 35346344, PMCID: PMC8962531

GeneDx
Classification: Likely benign. Last evaluated: 2020-11-02. Review status: criteria provided, single submitter. Criteria: GeneDx Variant Classification Process June 2021. Collection method: clinical testing. Allele origin: germline. Affected: yes.

Color Diagnostics, LLC DBA Color Health
Classification: Likely benign for Arrhythmia. Last evaluated: 2018-10-18. Review status: criteria provided, single submitter. Criteria: ACMG Guidelines, 2015. Collection method: clinical testing. Allele origin: germline.

Laboratory for Molecular Medicine, Mass General Brigham Personalized Medicine
Classification: Likely benign. Last evaluated: 2016-03-20. Review status: criteria provided, single submitter. Criteria: LMM Criteria. Collection method: clinical testing. Allele origin: germline. Observed: 1 variant allele.
Comment: p.Val458Val in exon 10 of KCNQ1: This variant is not expected to have clinical s ignificance because it does not alter an amino acid residue and is not located w ithin the splice consensus sequence. It has been identified in 7/15992 South Asi an chromosomes by the Exome Aggregation Consortium (ExAC; dbSNP rs778598703).

Breakthrough Genomics
Classification: Likely benign. Review status: criteria provided, single submitter. Criteria: ACMG Guidelines, 2015. Collection method: not provided. Allele origin: germline. Inheritance: Autosomal recessive inheritance. Affected: yes.

NM_000218.3(KCNQ1):c.1374C>T (p.Val458=)

Gene: KCNQ1 (potassium voltage-gated channel subfamily Q member 1; plus strand). Cytogenetic location: 11p15.5.
Variant type: single nucleotide variant.
Coding change: c.1374C>T on transcript NM_000218.3 (MANE Select); coding-DNA position 1374, C replaced by T.
Protein change: p.Val458=; no amino-acid change (valine 458 retained).
Molecular consequence: synonymous variant.
Genome position (GRCh38, 1-based): chr11:2,588,835, C>T. VCF-style: chr11-2588835-C-T. GRCh37 (hg19) VCF-style: chr11-2610065-C-T.
Other names: c.1278C>T, p.Val426= (NM_001406836.1); c.1104C>T, p.Val368= (NM_001406837.1); c.834C>T, p.Val278= (NM_001406838.1); c.993C>T, p.Val331= (NM_181798.2).
Identifiers: ClinVar variation 227460 (VCV000227460.46), dbSNP rs778598703, ClinGen allele CA028962.